The following is an entry in ClinVar:

ClinVar aggregate classification (germline): Likely benign. Review status: criteria provided, multiple submitters, no conflicts (2 of 4 stars). 2 submissions from 2 submitters: Likely benign (2). Last evaluated 2025-06-11.

Conditions:
Tuberous sclerosis 1 (TSC1). Identifiers: Orphanet 805, MedGen C1854465, MONDO:0008612, OMIM 191100.

Allele frequency attached by ClinVar (database versions not stated): gnomAD exomes below 0.00001 and 0.00001.
gnomAD v4.1: 7 of 1,612,596 alleles (0.00043%); highest among the groups gnomAD compares: Non-Finnish European, 0.00051%; no homozygotes.

Submissions (2):

Labcorp Genetics (formerly Invitae), Labcorp
Classification: Likely benign for Tuberous sclerosis 1. Last evaluated: 2025-06-11. Review status: criteria provided, single submitter. Criteria: Invitae Variant Classification Sherloc (09022015). Collection method: clinical testing. Allele origin: germline.

Myriad Genetics, Inc.
Classification: Likely benign for Tuberous sclerosis 1. Last evaluated: 2025-04-25. Review status: criteria provided, single submitter. Criteria: Myriad Autosomal Dominant, Autosomal Recessive and X-Linked Classification Criteria (2023). Collection method: clinical testing. Allele origin: unknown.
Comment: This variant is considered likely benign. This variant is intronic and is not expected to impact mRNA splicing.

NM_000368.5(TSC1):c.2392-20G>T

Gene: TSC1 (TSC complex subunit 1; minus strand). Cytogenetic location: 9q34.13.
Variant type: single nucleotide variant.
Coding change: c.2392-20G>T on transcript NM_000368.5 (MANE Select); 20 bases into the intron before coding-DNA position 2392, G replaced by T.
Molecular consequence: intron variant.
Genome position (GRCh38, 1-based): chr9:132,901,719, C>A on the plus strand (G>T on the coding strand, the complement: TSC1 is on the minus strand). VCF-style: chr9-132901719-C-A. GRCh37 (hg19) VCF-style: chr9-135777106-C-A.
Other names: c.2029-20G>T (NM_001362177.2); c.2239-20G>T (NM_001162427.2); c.2389-20G>T (NM_001162426.2).
Identifiers: ClinVar variation 1558396 (VCV001558396.9), dbSNP rs1181323344, ClinGen allele CA591048174.